The following is an entry in ClinVar:

ClinVar aggregate classification (germline): Uncertain significance. Review status: criteria provided, multiple submitters, no conflicts (2 of 4 stars). 3 submissions from 3 submitters: Uncertain significance (3). Last evaluated 2026-08-05.

Conditions:
Hereditary cancer-predisposing syndrome. Also called: Neoplastic Syndromes, Hereditary; Hereditary Cancer Syndrome; Tumor predisposition; Hereditary neoplastic syndrome. Identifiers: Orphanet 140162, MedGen C0027672, MeSH D009386, MONDO:0015356.
Gorlin syndrome. Also called: Nevoid Basal Cell Carcinoma Syndrome; Basal cell nevus syndrome. Identifiers: Orphanet 377, MedGen C0004779, MONDO:0007187.
Basal cell carcinoma, susceptibility to, 1. Also called: BCC1. Identifiers: MedGen C2751544, MONDO:0011556, OMIM 605462.

Submissions (3):

Ambry Genetics
Classification: Uncertain significance for Hereditary cancer-predisposing syndrome. Last evaluated: 2026-08-05. Review status: criteria provided, single submitter. Criteria: Ambry Variant Classification Scheme 2023. Collection method: clinical testing. Allele origin: germline.
Comment: The p.S707C variant (also known as c.2120C>G), located in coding exon 14 of the PTCH1 gene, results from a C to G substitution at nucleotide position 2120. The serine at codon 707 is replaced by cysteine, an amino acid with dissimilar properties. This amino acid position is conserved. In addition, this alteration is predicted to be deleterious by in silico analysis. Based on the available evidence, the clinical significance of this variant remains unclear.

Baylor Genetics
Classification: Uncertain significance for Basal cell carcinoma, susceptibility to, 1. Last evaluated: 2023-05-30. Review status: criteria provided, single submitter. Criteria: ACMG Guidelines, 2015. Collection method: clinical testing. Allele origin: unknown.

Labcorp Genetics (formerly Invitae), Labcorp
Classification: Uncertain significance for Gorlin syndrome. Last evaluated: 2023-03-01. Review status: criteria provided, single submitter. Criteria: Invitae Variant Classification Sherloc (09022015). Collection method: clinical testing. Allele origin: germline.
Comment: In summary, the available evidence is currently insufficient to determine the role of this variant in disease. Therefore, it has been classified as a Variant of Uncertain Significance. Advanced modeling of protein sequence and biophysical properties (such as structural, functional, and spatial information, amino acid conservation, physicochemical variation, residue mobility, and thermodynamic stability) performed at Invitae indicates that this missense variant is not expected to disrupt PTCH1 protein function. ClinVar contains an entry for this variant (Variation ID: 962065). This variant has not been reported in the literature in individuals affected with PTCH1-related conditions. This variant is not present in population databases (gnomAD no frequency). This sequence change replaces serine, which is neutral and polar, with cysteine, which is neutral and slightly polar, at codon 707 of the PTCH1 protein (p.Ser707Cys).

NM_000264.5(PTCH1):c.2120C>G (p.Ser707Cys)

Genes: PTCH1 (patched 1; minus strand), LOC100507346 (uncharacterized LOC100507346; plus strand). Cytogenetic location: 9q22.32.
Variant type: single nucleotide variant.
Coding change: c.2120C>G on transcript NM_000264.5 (MANE Select); coding-DNA position 2120, C replaced by G.
Protein change: p.Ser707Cys; replaces serine 707 with cysteine.
Molecular consequence: missense variant. On other transcripts: non-coding transcript variant (2).
Genome position (GRCh38, 1-based): chr9:95,468,881, G>C on the plus strand (C>G on the coding strand, the complement: PTCH1 is on the minus strand). VCF-style: chr9-95468881-G-C. GRCh37 (hg19) VCF-style: chr9-98231163-G-C.
Other names: c.1922C>G, p.Ser641Cys (NM_001083602.3); c.2117C>G, p.Ser706Cys (NM_001083603.3); c.1667C>G, p.Ser556Cys (NM_001083604.3, NM_001083605.3, NM_001083606.3 and 1 more transcripts); c.1964C>G, p.Ser655Cys (NM_001354918.2); short protein forms S641C, S707C, S556C, S655C, S706C.
Identifiers: ClinVar variation 962065 (VCV000962065.12), dbSNP rs1840288367, ClinGen allele CA374115612.